The following is an entry in ClinVar:

NM_007294.4(BRCA1):c.213-11T>G

Gene: BRCA1 (BRCA1 DNA repair associated; minus strand). Cytogenetic location: 17q21.31.
Variant type: single nucleotide variant.
Coding change: c.213-11T>G on transcript NM_007294.4 (MANE Select); 11 bases into the intron before coding-DNA position 213, T replaced by G.
Molecular consequence: intron variant.
Genome position (GRCh38, 1-based): chr17:43,104,967, A>C on the plus strand (T>G on the coding strand, the complement: BRCA1 is on the minus strand). VCF-style: chr17-43104967-A-C. GRCh37 (hg19) VCF-style: chr17-41256984-A-C.
Other names: IVS4-11 T>G; IVS5-11T>G; c.213-11T>G (NM_001407605.1, NM_001408447.1, NM_001408433.1 and 167 more transcripts); c.3-11T>G (NM_001407902.1, NM_001407956.1, NM_001407897.1 and 58 more transcripts); c.135-11T>G (NM_001408414.1, NM_001408411.1, NM_001407655.1 and 21 more transcripts); c.72-11T>G (NM_001407724.1, NM_001407697.1, NM_001407838.1 and 99 more transcripts); c.-218-10107T>G (NM_001407967.1, NM_001407966.1); c.-169-11T>G (NM_001407959.1, NM_001407962.1, NM_001408512.1 and 4 more transcripts); and 1 more.
Identifiers: ClinVar variation 37449 (VCV000037449.58), dbSNP rs80358061, ClinGen allele CA001424.

ClinVar aggregate classification (germline): Pathogenic. Review status: criteria provided, multiple submitters, no conflicts (2 of 4 stars). 27 submissions from 26 submitters: Pathogenic (21). 6 of the submissions do not count toward it. Last evaluated 2026-08-13.

Conditions:
Familial cancer of breast. Also called: Hereditary breast cancer; hereditary breast carcinoma; BREAST CANCER, FAMILIAL. Identifiers: Orphanet 227535, MedGen C0346153, MONDO:0016419, OMIM 114480. Disease mechanism: loss of function.
Breast-ovarian cancer, familial, susceptibility to, 1 (BROVCA1). Also called: OVARIAN CANCER, SUSCEPTIBILITY TO; BRCA1 Hereditary Breast and Ovarian Cancer. Identifiers: Orphanet 145, MedGen C2676676, MONDO:0011450, OMIM 604370. Disease mechanism: loss of function.
Fanconi anemia, complementation group S (FANCS). Identifiers: MedGen C4554406, MONDO:0054748, OMIM 617883.
BRCA1-related disorder. Also called: BRCA1-related condition.
BRCA1-related cancer predisposition. Identifiers: MedGen CN377757, MONDO:0700268.
Inherited breast cancer and ovarian cancer.
Breast and/or ovarian cancer. Identifiers: MedGen CN221562.
Hereditary cancer-predisposing syndrome. Also called: Tumor predisposition; Neoplastic Syndromes, Hereditary; Hereditary Cancer Syndrome; Hereditary neoplastic syndrome. Identifiers: Orphanet 140162, MedGen C0027672, MeSH D009386, MONDO:0015356.
Hereditary breast ovarian cancer syndrome. Also called: Hereditary breast and ovarian cancer syndrome (HBOC); Hereditary breast and ovarian cancer syndrome; Hereditary breast and ovarian cancer; Hereditary breast and/or ovarian cancer syndrome; Breast and ovarian cancer; BRCA1- and BRCA2-Associated Hereditary Breast and Ovarian Cancer. Identifiers: Orphanet 145, MedGen C0677776, MeSH D061325, MONDO:0003582. Disease mechanism: loss of function.

Allele frequency attached by ClinVar (database versions not stated): TOPMed below 0.00001; ExAC 0.00001; gnomAD 0.00001; gnomAD exomes 0.00001.
gnomAD v4.1: 9 of 1,606,904 alleles (0.00056%); highest among the groups gnomAD compares: African/African-American, 0.0013%; no homozygotes.

Submissions 1 to 8 of 27:

PreventionGenetics, part of Exact Sciences
Classification: Pathogenic for BRCA1-related condition. Last evaluated: 2026-08-13. Review status: criteria provided, single submitter. Criteria: ACMG Guidelines, 2015. Collection method: clinical testing. Allele origin: germline.
Comment: The BRCA1 c.213-11T>G variant is predicted to interfere with splicing. This variant, which is also known as c.332-11T>G and IVS5-11T>G in the literature, has been reported many times in individuals with breast and/or ovarian cancer and in some reports has been shown to segregate with disease in kindreds (see for examples Friedman et al. 1994. PubMed ID: 7894493; Supp. Table 2 in Couch et al. 2015. PubMed ID: 25452441; Table S2 in Azzollini et al. 2016. PubMed ID: 27062684). This variant is predicted to alter splicing based on available splicing prediction programs (SpliceAI, Jaganathan et al. 2019. PubMed ID: 30661751), and functional studies using RT-PCR on patient RNA samples have demonstrated the altered splicing empirically (Bonnet et al. 2008. PubMed ID: 18424508). This variant is reported in 0.0026% of alleles in individuals of European (Non-Finnish) descent in gnomAD. This variant has been classified as pathogenic by multiple independent submitters to the ClinVar database (Variation ID: 37449). This variant is interpreted as pathogenic.

Labcorp Genetics (formerly Invitae), Labcorp
Classification: Pathogenic for Hereditary breast ovarian cancer syndrome. Last evaluated: 2026-01-26. Review status: criteria provided, single submitter. Criteria: Invitae Variant Classification Sherloc (09022015). Collection method: clinical testing. Allele origin: germline.
Comment: This sequence change falls in intron 4 of the BRCA1 gene. It does not directly change the encoded amino acid sequence of the BRCA1 protein. RNA analysis indicates that this variant induces altered splicing and may result in an absent or altered protein product. This variant is present in population databases (rs80358061, gnomAD 0.003%). This variant has been observed in individual(s) with breast and/or ovarian cancer (PMID: 7894493, 10923033, 18284688, 21993507, 22144684, 25452441). It has also been observed to segregate with disease in related individuals. This variant is also known as c.332-11T>G and IVS5-11T>G. ClinVar contains an entry for this variant (Variation ID: 37449). Studies have shown that this variant results in activation of a cryptic splice site, and produces a non-functional protein and/or introduces a premature termination codon (PMID: 18424508, 23451180; internal data). For these reasons, this variant has been classified as Pathogenic.

Variantyx, Inc.
Classification: Pathogenic for Breast-ovarian cancer, familial, susceptibility to, 1. Last evaluated: 2026-01-08. Review status: criteria provided, single submitter. Criteria: Variantyx Assertion Criteria 2022. Collection method: clinical testing. Allele origin: germline. Inheritance: Autosomal dominant inheritance.
Comment: This is an intronic variant in the BRCA1 gene (OMIM: 113705). Pathogenic variants in this gene have been associated with autosomal dominant susceptibility to familial breast-ovarian cancer 1. This splicing variant is expected to result in loss of function, which is a known disease mechanism for BRCA1 (PMID: 11157798, 22505045, 7894493, 23451180, 23451180) (PVS1). This is a protein termination codon (PTC) variant where a different proven pathogenic PTC variant has been previously reported in similarly affected individuals (ENIGMA ClinGen Variant Curation Expert Panel (VCEP)) (PM5_Strong). This variant has been observed to segregate with disease in at least 4 individuals from a family (PMID: 7894493) (PP1). This variant has a 0.0013% maximum allele frequency in non-founder control populations. Based on the current evidence, this variant is classified as pathogenic for autosomal dominant susceptibility to familial breast-ovarian cancer 1.

Dasa
Classification: Pathogenic for Breast-ovarian cancer, familial, susceptibility to, 1. Last evaluated: 2025-09-02. Review status: criteria provided, single submitter. Criteria: DASA Assertion Criteria. Collection method: clinical testing. Allele origin: germline.
Comment: NM_007294.4(BRCA1):c.213-11T>G is a splice-region variant predicted to affect normal RNA splicing. Segregation evidence has been reported in affected families. Functional evidence supports a deleterious effect on the gene or gene product (PMID: 18424508; PMID: 23451180; PMID: 22505045; PMID: 10923033; PMID: 18284688). This variant has been recurrently observed in individuals with Breast-ovarian cancer, familial, susceptibility to, 1 (PMID: 18424508; PMID: 23451180; PMID: 22505045; PMID: 10923033; PMID: 18284688). The variant is present at low frequency in population datasets. Based on the available data, this variant is classified as pathogenic.

NHS Central & South Genomic Laboratory Hub
Classification: Pathogenic for Inherited breast cancer and ovarian cancer. Last evaluated: 2025-06-05. Review status: criteria provided, single submitter. Criteria: ACMG Guidelines, 2015. Collection method: clinical testing. Allele origin: germline. Affected: yes.

ARUP Laboratories, Molecular Genetics and Genomics, ARUP Laboratories
Classification: Pathogenic. Last evaluated: 2025-02-03. Review status: criteria provided, single submitter. Criteria: ARUP Molecular Germline Variant Investigation Process 2024. Collection method: clinical testing. Allele origin: germline.
Comment: The BRCA1 c.213-11T>G variant, also known as 332-11T>G or IVS5-11T>G, is reported in the medical literature in multiple individuals and families with breast and/or ovarian cancer (Carter 2018, Friedman 1994, Yost 2019). The variant is reported as pathogenic by several sources in the ClinVar database (Variation ID: 37449). This variant is only observed on three alleles in the Genome Aggregation Database, indicating it is not a common polymorphism. Additionally, in silico analyses and experimental evidence demonstrate this variant causes aberrant intronic splicing (Bonnet 2008, Colombo 2013). Based on available information, this variant is classified as pathogenic. References: Bonnet C et al. Screening BRCA1 and BRCA2 unclassified variants for splicing mutations using reverse transcription PCR on patient RNA and an ex vivo assay based on a splicing reporter minigene. J Med Genet. 2008 Jul;45(7):438-46. PMID: 18424508. Carter NJ et al. Germline pathogenic variants identified in women with ovarian tumors. Gynecol Oncol. 2018 Dec;151(3):481-488. PMID: 30322717. Colombo M et al. Comparative in vitro and in silico analyses of variants in splicing regions of BRCA1 and BRCA2 genes and characterization of novel pathogenic mutations. PLoS One. 2013;8(2):e57173. PMID: 23451180. Friedman LS et al. Confirmation of BRCA1 by analysis of germline mutations linked to breast and ovarian cancer in ten families. Nat Genet. 1994 Dec;8(4):399-404. PMID: 7894493. Yost S et al. Insights into BRCA Cancer Predisposition from Integrated Germline and Somatic Analyses in 7632 Cancers. JNCI Cancer Spectr. 2019 Apr 19;3(2):pkz028. PMID: 31360904.

Revvity Omics, Revvity
Classification: Pathogenic. Last evaluated: 2025-01-07. Review status: criteria provided, single submitter. Criteria: ACMG Guidelines, 2015. Collection method: clinical testing. Allele origin: germline.

Molecular Pathology, Peter Maccallum Cancer Centre
Classification: Pathogenic for Breast-ovarian cancer, familial, susceptibility to, 1. Last evaluated: 2024-12-30. Review status: criteria provided, single submitter. Criteria: ACMG Guidelines, 2015. Collection method: clinical testing. Allele origin: germline. Inheritance: Autosomal dominant inheritance.